The following is an entry in ClinVar:

NM_003001.5(SDHC):c.244G>A (p.Val82Ile)

Gene: SDHC (succinate dehydrogenase complex subunit C; plus strand). Cytogenetic location: 1q23.3.
Variant type: single nucleotide variant.
Coding change: c.244G>A on transcript NM_003001.5 (MANE Select); coding-DNA position 244, G replaced by A.
Protein change: p.Val82Ile; replaces valine 82 with isoleucine.
Molecular consequence: missense variant. On other transcripts: non-coding transcript variant (1), intron variant (3).
Genome position (GRCh38, 1-based): chr1:161,356,679, G>A. VCF-style: chr1-161356679-G-A. GRCh37 (hg19) VCF-style: chr1-161326469-G-A.
Other names: c.142G>A, p.Val48Ile (NM_001035512.3); c.85G>A, p.Val29Ile (NM_001035513.3); c.364G>A, p.Val122Ile (NM_001407115.1); c.187G>A, p.Val63Ile (NM_001407116.1); c.181G>A, p.Val61Ile (NM_001407117.1); c.136G>A, p.Val46Ile (NM_001407118.1); c.133G>A, p.Val45Ile (NM_001407119.1, NM_001407120.1); c.242-5650G>A (NM_001035511.3); and 2 more; short protein forms V29I, V48I, V82I, V122I, V46I, V63I, V45I, V61I.
Identifiers: ClinVar variation 1056566 (VCV001056566.7), dbSNP rs570325845, ClinGen allele CA343456212.

ClinVar aggregate classification (germline): Uncertain significance. Review status: criteria provided, multiple submitters, no conflicts (2 of 4 stars). 2 submissions from 2 submitters: Uncertain significance (2). Last evaluated 2025-04-04.

Conditions:
Gastrointestinal stromal tumor. Also called: Gastrointestinal stromal tumor, somatic; Gastrointestinal stroma tumor. Identifiers: Orphanet 44890, MedGen C0238198, MeSH D046152, MONDO:0011719, OMIM 606764, HP:0100723.
Pheochromocytoma/paraganglioma syndrome 3. Also called: GLOMUS TUMORS, FAMILIAL, 3; SDHC-Related Hereditary Paraganglioma-Pheochromocytoma Syndrome (Paragangliomas 3); Paragangliomas 3; SDHC-Related Hereditary Paraganglioma-Pheochromocytoma Syndrome. Identifiers: Orphanet 29072, MedGen C1854336, MONDO:0011544, OMIM 605373.
Hereditary cancer-predisposing syndrome. Also called: Tumor predisposition; Neoplastic Syndromes, Hereditary; Hereditary neoplastic syndrome; Hereditary Cancer Syndrome. Identifiers: Orphanet 140162, MedGen C0027672, MeSH D009386, MONDO:0015356.

Submissions (2):

Ambry Genetics
Classification: Uncertain significance for Hereditary cancer-predisposing syndrome. Last evaluated: 2025-04-04. Review status: criteria provided, single submitter. Criteria: Ambry Variant Classification Scheme 2023. Collection method: clinical testing. Allele origin: germline.
Comment: The p.V82I variant (also known as c.244G>A), located in coding exon 5 of the SDHC gene, results from a G to A substitution at nucleotide position 244. The valine at codon 82 is replaced by isoleucine, an amino acid with highly similar properties. This amino acid position is conserved. In addition, the in silico prediction for this alteration is inconclusive. Based on the available evidence, the clinical significance of this variant remains unclear.

Labcorp Genetics (formerly Invitae), Labcorp
Classification: Uncertain significance for Pheochromocytoma/paraganglioma syndrome 3; Gastrointestinal stromal tumor. Last evaluated: 2022-07-28. Review status: criteria provided, single submitter. Criteria: Invitae Variant Classification Sherloc (09022015). Collection method: clinical testing. Allele origin: germline.
Comment: This sequence change replaces valine, which is neutral and non-polar, with isoleucine, which is neutral and non-polar, at codon 82 of the SDHC protein (p.Val82Ile). This variant is not present in population databases (gnomAD no frequency). This variant has not been reported in the literature in individuals affected with SDHC-related conditions. ClinVar contains an entry for this variant (Variation ID: 1056566). Algorithms developed to predict the effect of missense changes on protein structure and function (SIFT, PolyPhen-2, Align-GVGD) all suggest that this variant is likely to be tolerated. In summary, the available evidence is currently insufficient to determine the role of this variant in disease. Therefore, it has been classified as a Variant of Uncertain Significance.